The following is an entry in ClinVar:

NM_000540.3(RYR1):c.4902C>G (p.Thr1634=)

Gene: RYR1 (ryanodine receptor 1; plus strand). Cytogenetic location: 19q13.2.
Variant type: single nucleotide variant.
Coding change: c.4902C>G on transcript NM_000540.3 (MANE Select); coding-DNA position 4902, C replaced by G.
Protein change: p.Thr1634=; no amino-acid change (threonine 1634 retained).
Molecular consequence: synonymous variant.
Genome position (GRCh38, 1-based): chr19:38,483,484, C>G. VCF-style: chr19-38483484-C-G. GRCh37 (hg19) VCF-style: chr19-38974124-C-G.
Other names: c.4902C>G, p.Thr1634= (NM_001042723.2).
Identifiers: ClinVar variation 256521 (VCV000256521.23), dbSNP rs377100871, ClinGen allele CA066503.

ClinVar aggregate classification (germline): Benign/Likely benign. Review status: criteria provided, multiple submitters, no conflicts (2 of 4 stars). 8 submissions from 8 submitters: Benign (2); Likely benign (6). Last evaluated 2026-01-28.

Conditions:
Malignant hyperthermia, susceptibility to, 1 (MHS1). Also called: Anesthesia related hyperthermia; Malignant hyperpyrexia; Fulminating hyperpyrexia; Pharmacogenic myopathy; RYR1-Related Malignant Hyperthermia Susceptibility; Malignant hyperthermia suceptibility 1. Identifiers: Orphanet 423, MedGen C2930980, MONDO:0007783, OMIM 145600.
RYR1-related disorder. Also called: RYR1-related disorders; RYR1-related condition. Identifiers: MedGen CN239331.

Allele frequency attached by ClinVar (database versions not stated): gnomAD exomes 0.00016; ESP Exome Variant Server 0.00031; ExAC 0.00050; gnomAD 0.00061 and 0.00069; TOPMed 0.00074; 1000 Genomes Project 0.00120; 1000 Genomes Project 30x 0.00125.
gnomAD v4.1: 233 of 1,558,352 alleles (0.015%); highest among the groups gnomAD compares: African/African-American, 0.26%; no homozygotes.

Submissions (8):

Labcorp Genetics (formerly Invitae), Labcorp
Classification: Likely benign for RYR1-related disorder. Last evaluated: 2026-01-28. Review status: criteria provided, single submitter. Criteria: Invitae Variant Classification Sherloc (09022015). Collection method: clinical testing. Allele origin: germline.

CeGaT Center for Human Genetics Tuebingen
Classification: Likely benign. Last evaluated: 2025-11-01. Review status: criteria provided, single submitter. Criteria: CeGaT Center For Human Genetics Tuebingen Variant Classification Criteria Version 2. Collection method: clinical testing. Allele origin: germline. Affected: yes. Observed: 1 variant allele.
Comment: RYR1: BP4, BP7

All of Us Research Program, National Institutes of Health
Classification: Benign for Malignant hyperthermia, susceptibility to, 1. Last evaluated: 2023-12-18. Review status: criteria provided, single submitter. Criteria: ACMG Guidelines, 2015. Collection method: clinical testing. Allele origin: germline. Inheritance: Autosomal dominant inheritance. Observed: 39 variant alleles, 39 heterozygotes.
Comment: This study involves interpretation of variants in research participants for the purpose of population health screening. Participant phenotype was not available at the time of variant classification. Additional details can be found in publication PMID: 35346344, PMCID: PMC8962531

Blueprint Genetics
Classification: Likely benign. Last evaluated: 2023-05-31. Review status: criteria provided, single submitter. Criteria: ACMG Guidelines, 2015. Collection method: clinical testing. Allele origin: germline.

Color Diagnostics, LLC DBA Color Health
Classification: Benign for Malignant hyperthermia, susceptibility to, 1. Last evaluated: 2022-08-17. Review status: criteria provided, single submitter. Criteria: ACMG Guidelines, 2015. Collection method: clinical testing. Allele origin: germline.

GeneDx
Classification: Likely benign. Last evaluated: 2016-12-22. Review status: criteria provided, single submitter. Criteria: GeneDx Variant Classification (06012015). Collection method: clinical testing. Allele origin: germline. Affected: yes.
Comment: This variant is considered likely benign or benign based on one or more of the following criteria: it is a conservative change, it occurs at a poorly conserved position in the protein, it is predicted to be benign by multiple in silico algorithms, and/or has population frequency not consistent with disease.

Breakthrough Genomics
Classification: Likely benign. Review status: criteria provided, single submitter. Criteria: ACMG Guidelines, 2015. Collection method: not provided. Allele origin: germline. Inheritance: Autosomal recessive inheritance. Affected: yes.

PreventionGenetics, part of Exact Sciences
Classification: Likely benign. Review status: criteria provided, single submitter. Criteria: ACMG Guidelines, 2015. Collection method: clinical testing. Allele origin: germline.